The following is an entry in ClinVar:

NM_014727.3(KMT2B):c.4135C>G (p.Leu1379Val)

Gene: KMT2B (lysine methyltransferase 2B; plus strand). Cytogenetic location: 19q13.12.
Variant type: single nucleotide variant.
Coding change: c.4135C>G on transcript NM_014727.3 (MANE Select); coding-DNA position 4135, C replaced by G.
Protein change: p.Leu1379Val; replaces leucine 1379 with valine.
Molecular consequence: missense variant.
Genome position (GRCh38, 1-based): chr19:35,727,455, C>G. VCF-style: chr19-35727455-C-G. GRCh37 (hg19) VCF-style: chr19-36218356-C-G.
Other names: short protein forms L1379V.
Identifiers: ClinVar variation 4883659 (VCV004883659.2).

ClinVar aggregate classification (germline): Uncertain significance (1 of 4 stars; one submission).

Conditions:
Intellectual developmental disorder, autosomal dominant 68 (MRD68). Also called: MENTAL RETARDATION, AUTOSOMAL DOMINANT 68. Identifiers: MedGen C5677008, MONDO:0030969, OMIM 619934.

Submission:

Dasa
Classification: Uncertain significance for Intellectual developmental disorder, autosomal dominant 68. Last evaluated: 2025-08-15. Review status: criteria provided, single submitter. Criteria: DASA Assertion Criteria. Collection method: clinical testing. Allele origin: germline.
Comment: NM_014727.3(KMT2B):c.4135C>G (p.Leu1379Val) is a missense variant that results in the substitution of leucine with valine. This variant is absent from population databases. The currently available literature and clinical evidence are not sufficient to establish a definitive association between this variant and the reported condition. Therefore, this variant is classified as a variant of uncertain significance.